The following is an entry in ClinVar:

NM_004415.4(DSP):c.7645T>C (p.Ser2549Pro)

Gene: DSP (desmoplakin; plus strand). Cytogenetic location: 6p24.3.
Variant type: single nucleotide variant.
Coding change: c.7645T>C on transcript NM_004415.4 (MANE Select); coding-DNA position 7645, T replaced by C.
Protein change: p.Ser2549Pro; replaces serine 2549 with proline.
Molecular consequence: missense variant.
Genome position (GRCh38, 1-based): chr6:7,584,907, T>C. VCF-style: chr6-7584907-T-C. GRCh37 (hg19) VCF-style: chr6-7585140-T-C.
Other names: c.5848T>C, p.Ser1950Pro (NM_001008844.3); c.6316T>C, p.Ser2106Pro (NM_001319034.2); short protein forms S1950P, S2106P, S2549P.
Identifiers: ClinVar variation 4756474 (VCV004756474.1).
Genomic context (GRCh38, chr6:7,584,907, plus strand): 5'-GATATTCAAGATGCTATTGACAAGGGCCTTGTTGACAGGAAGTTCTTTGATCAGTACCGA[T>C]CCGGCAGCCTCAGCCTCACTCAATTTGCTGACATGATCTCCTTGAAAAATGGTGTCGGCA-3'
Protein context (NP_004406.2, residues 2539-2559): VDRKFFDQYR[Ser2549Pro]GSLSLTQFAD

ClinVar aggregate classification (germline): Uncertain significance (1 of 4 stars; one submission).

Conditions:
Cardiomyopathy (CMYO). Also called: Cardiomyopathies. Identifiers: Orphanet 167848, MedGen C0878544, MONDO:0004994, HP:0001638. Inheritance: Various modes of inheritance.

Submission:

Color Diagnostics, LLC DBA Color Health
Classification: Uncertain significance for Cardiomyopathy. Last evaluated: 2025-09-22. Review status: criteria provided, single submitter. Criteria: ACMG Guidelines, 2015. Collection method: clinical testing. Allele origin: germline.
Comment: This missense variant replaces serine with proline at codon 2549 of the DSP protein. Computational prediction suggests that this variant may not impact protein structure and function. To our knowledge, functional studies have not been reported for this variant. This variant has not been reported in individuals affected with DSP-related disorders in the literature. This variant has not been identified in the general population by the Genome Aggregation Database (gnomAD). The available evidence is insufficient to determine the role of this variant in disease conclusively. Therefore, this variant is classified as a Variant of Uncertain Significance.